The following is an entry in ClinVar:

ClinVar aggregate classification (germline): Uncertain significance (1 of 4 stars; one submission).

Conditions:
Beckwith-Wiedemann syndrome (BWS). Also called: EMG SYNDROME; Exomphalos macroglossia gigantism syndrome. Identifiers: Orphanet 116, MedGen C0004903, MONDO:0007534, OMIM 130650.

Allele frequency attached by ClinVar (database versions not stated): gnomAD exomes 0.00001.
gnomAD v4.1: 5 of 1,545,658 alleles (0.00032%); highest among the groups gnomAD compares: Non-Finnish European, 0.00044%; no homozygotes.

Submission:

Labcorp Genetics (formerly Invitae), Labcorp
Classification: Uncertain significance for Beckwith-Wiedemann syndrome. Last evaluated: 2025-09-10. Review status: criteria provided, single submitter. Criteria: Invitae Variant Classification Sherloc (09022015). Collection method: clinical testing. Allele origin: germline.
Comment: This sequence change replaces serine, which is neutral and polar, with phenylalanine, which is neutral and non-polar, at codon 10 of the CDKN1C protein (p.Ser10Phe). The frequency data for this variant in the population databases is considered unreliable, as metrics indicate poor data quality at this position in the gnomAD database. This variant has not been reported in the literature in individuals affected with CDKN1C-related conditions. ClinVar contains an entry for this variant (Variation ID: 1038294). An algorithm developed to predict the effect of missense changes on protein structure and function (PolyPhen-2) suggests that this variant is likely to be disruptive. In summary, the available evidence is currently insufficient to determine the role of this variant in disease. Therefore, it has been classified as a Variant of Uncertain Significance.

NM_001122630.2(CDKN1C):c.-5C>T

Gene: CDKN1C (cyclin dependent kinase inhibitor 1C; minus strand). Cytogenetic location: 11p15.4.
Variant type: single nucleotide variant.
Coding change: c.-5C>T on transcript NM_001122630.2 (MANE Select); 5 bases upstream of the start codon, C replaced by T.
Molecular consequence: 5 prime UTR variant. On other transcripts: missense variant (2).
Genome position (GRCh38, 1-based): chr11:2,885,461, G>A on the plus strand (C>T on the coding strand, the complement: CDKN1C is on the minus strand). VCF-style: chr11-2885461-G-A. GRCh37 (hg19) VCF-style: chr11-2906691-G-A.
Other names: c.29C>T, p.Ser10Phe (NM_000076.2, NM_001362474.2); c.-5C>T (NM_001122631.2, NM_001362475.2); short protein forms S10F.
Identifiers: ClinVar variation 1038294 (VCV001038294.8), dbSNP rs1420666038, ClinGen allele CA379147994.